The following is an entry in ClinVar:

ClinVar aggregate classification (germline): Likely benign. Review status: criteria provided, multiple submitters, no conflicts (2 of 4 stars). 4 submissions from 4 submitters: Likely benign (4). Last evaluated 2026-07-01.

Allele frequency attached by ClinVar (database versions not stated): gnomAD 0.00027 and 0.00028; TOPMed 0.00028; gnomAD exomes 0.00035 and 0.00077; ExAC 0.00052.
gnomAD v4.1: 1,143 of 1,612,138 alleles (0.071%); highest among the groups gnomAD compares: Non-Finnish European, 0.093%; no homozygotes.

Submissions (4):

CeGaT Center for Human Genetics Tuebingen
Classification: Likely benign. Last evaluated: 2026-07-01. Review status: criteria provided, single submitter. Criteria: CeGaT Center For Human Genetics Tuebingen Variant Classification Criteria Version 2. Collection method: clinical testing. Allele origin: germline. Affected: yes. Observed: 1 variant allele.
Comment: DCHS1: BP4, BP7

Labcorp Genetics (formerly Invitae), Labcorp
Classification: Likely benign. Last evaluated: 2026-01-28. Review status: criteria provided, single submitter. Criteria: Invitae Variant Classification Sherloc (09022015). Collection method: clinical testing. Allele origin: germline.

Women's Health and Genetics/Laboratory Corporation of America, LabCorp
Classification: Likely benign. Last evaluated: 2025-12-26. Review status: criteria provided, single submitter. Criteria: LabCorp Variant Classification Summary - May 2015. Collection method: clinical testing. Allele origin: germline.

Blueprint Genetics
Classification: Likely benign. Last evaluated: 2024-11-25. Review status: criteria provided, single submitter. Criteria: ACMG Guidelines, 2015. Collection method: clinical testing. Allele origin: germline.

NM_003737.4(DCHS1):c.186C>T (p.Gly62=)

Gene: DCHS1 (dachsous cadherin-related 1; minus strand). Cytogenetic location: 11p15.4.
Variant type: single nucleotide variant.
Coding change: c.186C>T on transcript NM_003737.4 (MANE Select); coding-DNA position 186, C replaced by T.
Protein change: p.Gly62=; no amino-acid change (glycine 62 retained).
Molecular consequence: synonymous variant.
Genome position (GRCh38, 1-based): chr11:6,641,428, G>A on the plus strand (C>T on the coding strand, the complement: DCHS1 is on the minus strand). VCF-style: chr11-6641428-G-A. GRCh37 (hg19) VCF-style: chr11-6662659-G-A.
Identifiers: ClinVar variation 709284 (VCV000709284.12), dbSNP rs766867933, ClinGen allele CA5861203.